The following is an entry in ClinVar:

NM_016169.4(SUFU):c.1221G>C (p.Thr407=)

Gene: SUFU (SUFU negative regulator of hedgehog signaling; plus strand). Cytogenetic location: 10q24.32.
Variant type: single nucleotide variant.
Coding change: c.1221G>C on transcript NM_016169.4 (MANE Select); coding-DNA position 1221, G replaced by C.
Protein change: p.Thr407=; no amino-acid change (threonine 407 retained).
Molecular consequence: synonymous variant.
Genome position (GRCh38, 1-based): chr10:102,617,353, G>C. VCF-style: chr10-102617353-G-C. GRCh37 (hg19) VCF-style: chr10-104377110-G-C.
Other names: c.1221G>C, p.Thr407= (NM_001178133.2).
Identifiers: ClinVar variation 4085742 (VCV004085742.8).

ClinVar aggregate classification (germline): Likely benign (1 of 4 stars; one submission).

Submission:

CeGaT Center for Human Genetics Tuebingen
Classification: Likely benign. Last evaluated: 2025-08-01. Review status: criteria provided, single submitter. Criteria: CeGaT Center For Human Genetics Tuebingen Variant Classification Criteria Version 2. Collection method: clinical testing. Allele origin: germline. Affected: yes. Observed: 1 variant allele.
Comment: SUFU: PM2:Supporting, BP4, BP7